The following is an entry in ClinVar:

ClinVar aggregate classification (germline): Uncertain significance (1 of 4 stars; one submission).

Submission:

Labcorp Genetics (formerly Invitae), Labcorp
Classification: Uncertain significance. Last evaluated: 2022-07-09. Review status: criteria provided, single submitter. Criteria: Invitae Variant Classification Sherloc (09022015). Collection method: clinical testing. Allele origin: germline.
Comment: This variant is not present in population databases (gnomAD no frequency). This sequence change replaces alanine, which is neutral and non-polar, with valine, which is neutral and non-polar, at codon 2206 of the CACNA1B protein (p.Ala2206Val). In summary, the available evidence is currently insufficient to determine the role of this variant in disease. Therefore, it has been classified as a Variant of Uncertain Significance. Advanced modeling of protein sequence and biophysical properties (such as structural, functional, and spatial information, amino acid conservation, physicochemical variation, residue mobility, and thermodynamic stability) performed at Invitae indicates that this missense variant is not expected to disrupt CACNA1B protein function. This variant has not been reported in the literature in individuals affected with CACNA1B-related conditions.

NM_000718.4(CACNA1B):c.6617C>T (p.Ala2206Val)

Gene: CACNA1B (calcium voltage-gated channel subunit alpha1 B; plus strand). Cytogenetic location: 9q34.3.
Variant type: single nucleotide variant.
Coding change: c.6617C>T on transcript NM_000718.4 (MANE Select); coding-DNA position 6617, C replaced by T.
Protein change: p.Ala2206Val; replaces alanine 2206 with valine.
Molecular consequence: missense variant. On other transcripts: intron variant (1).
Genome position (GRCh38, 1-based): chr9:138,121,596, C>T. VCF-style: chr9-138121596-C-T. GRCh37 (hg19) VCF-style: chr9-141016048-C-T.
Other names: c.6490-60C>T (NM_001243812.2); short protein forms A2206V.
Identifiers: ClinVar variation 2015472 (VCV002015472.4), dbSNP rs2539618737, ClinGen allele CA375824108.